The following is an entry in ClinVar:

NM_001127644.2(GABRA1):c.554G>T (p.Gly185Val)

Gene: GABRA1 (gamma-aminobutyric acid type A receptor subunit alpha1; plus strand). Cytogenetic location: 5q34.
Variant type: single nucleotide variant.
Coding change: c.554G>T on transcript NM_001127644.2 (MANE Select); coding-DNA position 554, G replaced by T.
Protein change: p.Gly185Val; replaces glycine 185 with valine.
Molecular consequence: missense variant.
Genome position (GRCh38, 1-based): chr5:161,875,637, G>T. VCF-style: chr5-161875637-G-T. GRCh37 (hg19) VCF-style: chr5-161302643-G-T.
Other names: c.554G>T, p.Gly185Val (NM_000806.5, NM_001127643.2, NM_001127645.2 and 1 more transcripts); short protein forms G185V.
Identifiers: ClinVar variation 1500442 (VCV001500442.8), dbSNP rs2113389243, ClinGen allele CA362179361.

ClinVar aggregate classification (germline): Uncertain significance (1 of 4 stars; one submission).

Conditions:
Epilepsy, idiopathic generalized, susceptibility to, 13. Also called: EPILEPSY, JUVENILE MYOCLONIC, SUSCEPTIBILITY TO, 5. Identifiers: Orphanet 307, Orphanet 64280, MedGen C4013473, MONDO:0012627, OMIM 611136.
Epilepsy, childhood absence 4 (ECA4). Also called: EPILEPSY, CHILDHOOD ABSENCE, SUSCEPTIBILITY TO, 4. Identifiers: Orphanet 307, MedGen C1970160.
Idiopathic generalized epilepsy. Also called: Generalised epilepsy; EIG. Identifiers: MedGen C0270850, MONDO:0005579, OMIM 600669.

Submission:

Labcorp Genetics (formerly Invitae), Labcorp
Classification: Uncertain significance for Epilepsy, childhood absence 4; Epilepsy, idiopathic generalized, susceptibility to, 13; Idiopathic generalized epilepsy. Last evaluated: 2021-07-04. Review status: criteria provided, single submitter. Criteria: Invitae Variant Classification Sherloc (09022015). Collection method: clinical testing. Allele origin: germline.
Comment: In summary, the available evidence is currently insufficient to determine the role of this variant in disease. Therefore, it has been classified as a Variant of Uncertain Significance. Algorithms developed to predict the effect of sequence changes on RNA splicing suggest that this variant may create or strengthen a splice site. Algorithms developed to predict the effect of missense changes on protein structure and function (SIFT, PolyPhen-2, Align-GVGD) all suggest that this variant is likely to be tolerated. This variant has not been reported in the literature in individuals affected with GABRA1-related conditions. This variant is not present in population databases (ExAC no frequency). This sequence change replaces glycine with valine at codon 185 of the GABRA1 protein (p.Gly185Val). The glycine residue is highly conserved and there is a moderate physicochemical difference between glycine and valine.